The following is an entry in ClinVar:

NM_000497.4(CYP11B1):c.450G>A (p.Ser150=)

Genes: CYP11B1 (cytochrome P450 family 11 subfamily B member 1; minus strand), LOC106799833 (CYP11B1 recombination region; plus strand). Cytogenetic location: 8q24.3.
Variant type: single nucleotide variant.
Coding change: c.450G>A on transcript NM_000497.4 (MANE Select); coding-DNA position 450, G replaced by A.
Protein change: p.Ser150=; no amino-acid change (serine 150 retained).
Molecular consequence: synonymous variant.
Genome position (GRCh38, 1-based): chr8:142,877,168, C>T on the plus strand (G>A on the coding strand, the complement: CYP11B1 is on the minus strand). VCF-style: chr8-142877168-C-T. GRCh37 (hg19) VCF-style: chr8-143958584-C-T.
Other names: c.450G>A, p.Ser150= (NM_001026213.1).
Identifiers: ClinVar variation 912290 (VCV000912290.36), dbSNP rs778556211, ClinGen allele CA4905436.

ClinVar aggregate classification (germline): Conflicting classifications of pathogenicity. Review status: criteria provided, conflicting classifications (1 of 4 stars). 4 submissions from 3 submitters: Uncertain significance (2); Likely benign (2). Last evaluated 2025-04-14.

Conditions:
Glucocorticoid-remediable aldosteronism. Also called: ACTH-DEPENDENT HYPERALDOSTERONISM SYNDROME; ALDOSTERONISM, SENSITIVE TO DEXAMETHASONE; GLUCOCORTICOID-SUPPRESSIBLE HYPERALDOSTERONISM; Hyperaldosteronism, familial, type I; FH I. Identifiers: Orphanet 403, MedGen C3838731, MONDO:0007080, OMIM 103900.
Deficiency of steroid 11-beta-monooxygenase (CYP11B1). Also called: ADRENAL HYPERPLASIA, CONGENITAL, DUE TO STEROID 11-BETA-HYDROXYLASE DEFICIENCY; 11-BETA-HYDROXYLASE DEFICIENCY; P450C11B1 DEFICIENCY; STEROID 11-BETA-HYDROXYLASE DEFICIENCY; Congenital adrenal hyperplasia due to 11-beta-hydroxylase deficiency; ADRENAL HYPERPLASIA IV. Identifiers: Orphanet 90795, MedGen C0268292, MONDO:0008729, OMIM 202010. Disease mechanism: loss of function.

Allele frequency attached by ClinVar (database versions not stated): TOPMed 0.00002.
gnomAD v4.1: 55 of 1,614,072 alleles (0.0034%); highest among the groups gnomAD compares: East Asian, 0.062%; no homozygotes.

Submissions (4):

Labcorp Genetics (formerly Invitae), Labcorp
Classification: Likely benign. Last evaluated: 2025-04-14. Review status: criteria provided, single submitter. Criteria: Invitae Variant Classification Sherloc (09022015). Collection method: clinical testing. Allele origin: germline.

CeGaT Center for Human Genetics Tuebingen
Classification: Likely benign. Last evaluated: 2022-04-01. Review status: criteria provided, single submitter. Criteria: CeGaT Center For Human Genetics Tuebingen Variant Classification Criteria Version 2. Collection method: clinical testing. Allele origin: germline. Affected: yes. Observed: 1 variant allele.
Comment: CYP11B1: BP4, BP7

Illumina Laboratory Services, Illumina
Classification: Uncertain significance for Deficiency of steroid 11-beta-monooxygenase. Last evaluated: 2018-01-13. Review status: criteria provided, single submitter. Criteria: ICSL Variant Classification Criteria 13 December 2019. Collection method: clinical testing. Allele origin: germline.

Illumina Laboratory Services, Illumina
Classification: Uncertain significance for Glucocorticoid-remediable aldosteronism. Last evaluated: 2018-01-13. Review status: criteria provided, single submitter. Criteria: ICSL Variant Classification Criteria 13 December 2019. Collection method: clinical testing. Allele origin: germline.